The following is an entry in ClinVar:

ClinVar aggregate classification (germline): Conflicting classifications of pathogenicity. Review status: criteria provided, conflicting classifications (1 of 4 stars). 4 submissions from 4 submitters: Uncertain significance (1); Benign (1); Likely benign (1). 1 of the submissions does not count toward it. Last evaluated 2025-12-13.

Conditions:
RAI1-related disorder. Also called: RAI1-related condition.
Inborn genetic diseases. Identifiers: MedGen C0950123, MeSH D030342.

Allele frequency attached by ClinVar (database versions not stated): gnomAD 0.00002 and 0.00003; ExAC 0.00003; gnomAD exomes 0.00003 and 0.00005; TOPMed 0.00004.
gnomAD v4.1: 48 of 1,612,736 alleles (0.003%); highest among the groups gnomAD compares: Admixed American, 0.0083%; no homozygotes.

Submissions (4):

Labcorp Genetics (formerly Invitae), Labcorp
Classification: Benign. Last evaluated: 2025-12-13. Review status: criteria provided, single submitter. Criteria: Invitae Variant Classification Sherloc (09022015). Collection method: clinical testing. Allele origin: germline.

CeGaT Center for Human Genetics Tuebingen
Classification: Uncertain significance. Last evaluated: 2025-08-01. Review status: criteria provided, single submitter. Criteria: CeGaT Center For Human Genetics Tuebingen Variant Classification Criteria Version 2. Collection method: clinical testing. Allele origin: germline. Affected: yes. Observed: 1 variant allele.

Ambry Genetics
Classification: Likely benign for Inborn genetic diseases. Last evaluated: 2025-07-02. Review status: criteria provided, single submitter. Criteria: Ambry Variant Classification Scheme 2023. Collection method: clinical testing. Allele origin: germline.

PreventionGenetics, part of Exact Sciences
Classification: Likely benign for RAI1-related condition. Last evaluated: 2021-12-30. Review status: no assertion criteria provided. Collection method: clinical testing. Allele origin: germline. Not counted in ClinVar's aggregate classification.
Comment: This variant is classified as likely benign based on ACMG/AMP sequence variant interpretation guidelines (Richards et al. 2015 PMID: 25741868, with internal and published modifications).

NM_030665.4(RAI1):c.1744G>A (p.Asp582Asn)

Gene: RAI1 (retinoic acid induced 1; plus strand). Cytogenetic location: 17p11.2.
Variant type: single nucleotide variant.
Coding change: c.1744G>A on transcript NM_030665.4 (MANE Select); coding-DNA position 1744, G replaced by A.
Protein change: p.Asp582Asn; replaces aspartic acid 582 with asparagine.
Molecular consequence: missense variant.
Genome position (GRCh38, 1-based): chr17:17,794,692, G>A. VCF-style: chr17-17794692-G-A. GRCh37 (hg19) VCF-style: chr17-17698006-G-A.
Other names: c.1744G>A (NM_030665.3); short protein forms D582N.
Identifiers: ClinVar variation 1354912 (VCV001354912.17), dbSNP rs781255993, ClinGen allele CA8418391.
Genomic context (GRCh38, chr17:17,794,692, plus strand): 5'-GACGACATGTCCACCAAATCTGACGACTCCTTCCAGAGCCTACACGGCAGTCTGCCGCTC[G>A]ACAGCTTCTCCAAGTTCGTGGCGGGTGAGCGGGACTGTCCGCGGCTGCTGCTCAGCGCCC-3'
Protein context (NP_109590.3, residues 572-592): FQSLHGSLPL[Asp582Asn]SFSKFVAGER